The following is an entry in ClinVar:

ClinVar aggregate classification (germline): Uncertain significance (1 of 4 stars; one submission).

Submission:

Ambry Genetics
Classification: Uncertain significance. Last evaluated: 2021-07-20. Review status: criteria provided, single submitter. Criteria: Ambry Variant Classification Scheme 2023. Collection method: clinical testing. Allele origin: germline.
Comment: The p.P1577L variant (also known as c.4730C>T), located in coding exon 16 of the POLQ gene, results from a C to T substitution at nucleotide position 4730. The proline at codon 1577 is replaced by leucine, an amino acid with similar properties. This amino acid position is conserved. In addition, this alteration is predicted to be tolerated by in silico analysis. Since supporting evidence is limited at this time, the clinical significance of this alteration remains unclear.

NM_199420.4(POLQ):c.4730C>T (p.Pro1577Leu)

Gene: POLQ (DNA polymerase theta; minus strand). Cytogenetic location: 3q13.33.
Variant type: single nucleotide variant.
Coding change: c.4730C>T on transcript NM_199420.4 (MANE Select); coding-DNA position 4730, C replaced by T.
Protein change: p.Pro1577Leu; replaces proline 1577 with leucine.
Molecular consequence: missense variant.
Genome position (GRCh38, 1-based): chr3:121,488,201, G>A on the plus strand (C>T on the coding strand, the complement: POLQ is on the minus strand). VCF-style: chr3-121488201-G-A. GRCh37 (hg19) VCF-style: chr3-121207048-G-A.
Other names: short protein forms P1577L.
Identifiers: ClinVar variation 1742720 (VCV001742720.2), dbSNP rs2546785595, ClinGen allele CA354094029.